The following is an entry in ClinVar:

NM_001105206.3(LAMA4):c.966+4C>G

Gene: LAMA4 (laminin subunit alpha 4; minus strand). Cytogenetic location: 6q21.
Variant type: single nucleotide variant.
Coding change: c.966+4C>G on transcript NM_001105206.3 (MANE Select); 4 bases into the intron after coding-DNA position 966, C replaced by G.
Molecular consequence: intron variant.
Genome position (GRCh38, 1-based): chr6:112,187,446, G>C on the plus strand (C>G on the coding strand, the complement: LAMA4 is on the minus strand). VCF-style: chr6-112187446-G-C. GRCh37 (hg19) VCF-style: chr6-112508648-G-C.
Other names: c.945+4C>G (NM_002290.5, NM_001105207.3).
Identifiers: ClinVar variation 1766998 (VCV001766998.4), dbSNP rs372706971, ClinGen allele CA144883809.

ClinVar aggregate classification (germline): Uncertain significance. Review status: criteria provided, multiple submitters, no conflicts (2 of 4 stars). 2 submissions from 2 submitters: Uncertain significance (2). Last evaluated 2024-09-17.

Conditions:
Cardiovascular phenotype. Identifiers: MedGen CN230736.
Dilated cardiomyopathy 1JJ (CMD1JJ). Identifiers: Orphanet 154, MedGen C3808935, MONDO:0014095, OMIM 615235.

Allele frequency attached by ClinVar (database versions not stated): gnomAD 0.00002; ESP Exome Variant Server 0.00008.

Submissions (2):

Labcorp Genetics (formerly Invitae), Labcorp
Classification: Uncertain significance for Dilated cardiomyopathy 1JJ. Last evaluated: 2024-09-17. Review status: criteria provided, single submitter. Criteria: Invitae Variant Classification Sherloc (09022015). Collection method: clinical testing. Allele origin: germline.
Comment: This sequence change falls in intron 8 of the LAMA4 gene. It does not directly change the encoded amino acid sequence of the LAMA4 protein. It affects a nucleotide within the consensus splice site. This variant is present in population databases (rs372706971, gnomAD 0.003%). This variant has not been reported in the literature in individuals affected with LAMA4-related conditions. ClinVar contains an entry for this variant (Variation ID: 1766998). Variants that disrupt the consensus splice site are a relatively common cause of aberrant splicing (PMID: 17576681, 9536098). Algorithms developed to predict the effect of sequence changes on RNA splicing suggest that this variant is not likely to affect RNA splicing. In summary, the available evidence is currently insufficient to determine the role of this variant in disease. Therefore, it has been classified as a Variant of Uncertain Significance.

Ambry Genetics
Classification: Uncertain significance for Cardiovascular phenotype. Last evaluated: 2023-10-02. Review status: criteria provided, single submitter. Criteria: Ambry Variant Classification Scheme 2023. Collection method: clinical testing. Allele origin: germline.
Comment: The c.945+4C>G intronic variant results from a C to G substitution 4 nucleotides after coding exon 7 in the LAMA4 gene. This nucleotide position is poorly conserved in available vertebrate species. In silico splice site analysis predicts that this alteration will not have any significant effect on splicing. The evidence for this gene-disease relationship is limited; therefore, the clinical significance of this alteration is unclear.

Literature cited by the submitters: PubMed 17576681 (cited by Labcorp Genetics (formerly Invitae), Labcorp); PubMed 9536098 (cited by Labcorp Genetics (formerly Invitae), Labcorp).